The following is an entry in ClinVar:

ClinVar aggregate classification (germline): Pathogenic (1 of 4 stars; one submission).

Conditions:
Familial cancer of breast. Also called: Hereditary breast cancer; hereditary breast carcinoma; BREAST CANCER, FAMILIAL. Identifiers: Orphanet 227535, MedGen C0346153, MONDO:0016419, OMIM 114480. Disease mechanism: loss of function.
Fanconi anemia complementation group J. Also called: BRIP1-Related Fanconi Anemia. Identifiers: Orphanet 84, MedGen C1836860, MONDO:0012187, OMIM 609054.

Submission:

Labcorp Genetics (formerly Invitae), Labcorp
Classification: Pathogenic for Familial cancer of breast; Fanconi anemia complementation group J. Last evaluated: 2022-09-13. Review status: criteria provided, single submitter. Criteria: Invitae Variant Classification Sherloc (09022015). Collection method: clinical testing. Allele origin: germline.
Comment: For these reasons, this variant has been classified as Pathogenic. This variant has not been reported in the literature in individuals affected with BRIP1-related conditions. This variant is not present in population databases (gnomAD no frequency). This sequence change creates a premature translational stop signal (p.Gly750Glufs*9) in the BRIP1 gene. It is expected to result in an absent or disrupted protein product. Loss-of-function variants in BRIP1 are known to be pathogenic (PMID: 16116423, 17033622, 21964575).

Literature cited by the submitters: PubMed 16116423; PubMed 17033622; PubMed 21964575.

NM_032043.3(BRIP1):c.2247del (p.Gly750fs)

Gene: BRIP1 (BRCA1 interacting DNA helicase 1; minus strand). Cytogenetic location: 17q23.2.
Variant type: Deletion.
Coding change: c.2247del on transcript NM_032043.3 (MANE Select); coding-DNA position 2247, one base deleted (A; older notation c.2247delA).
Protein change: p.Gly750fs; shifts the reading frame from glycine 750.
Molecular consequence: frameshift variant.
Genome position (GRCh38, 1-based): chr17:61,744,442, T deleted on the plus strand (A on the coding strand, the reverse complement: BRIP1 is on the minus strand); the first of 3 consecutive T bases (chr17:61,744,442-61,744,444); deleting any one gives the same sequence. VCF-style (leftmost placement, unchanged base first): chr17-61744441-CT-C. GRCh37 (hg19) VCF-style: chr17-59821802-CT-C.
Other names: short protein forms G750fs.
Identifiers: ClinVar variation 2030234 (VCV002030234.4), dbSNP rs2544835915, ClinGen allele CA2580094475.
Genomic context (GRCh38, chr17:61,744,441, plus strand): 5'-CTTTGTAATAAAAAATATTTTTTCACCGACCATGAAATAATTTCCAGTTACCTTTCTCTC[CT>C]TTGTATTTGATTGCGTCATAGTACACCTGCAGTAATTCATCAAAATTTGTTTTTTCTCCT-3'